The following is an entry in ClinVar:

NM_007294.4(BRCA1):c.1889del (p.Asn630fs)

Gene: BRCA1 (BRCA1 DNA repair associated; minus strand). Cytogenetic location: 17q21.31.
Variant type: Deletion.
Coding change: c.1889del on transcript NM_007294.4 (MANE Select); coding-DNA position 1889, one base deleted (A; older notation c.1889delA).
Protein change: p.Asn630fs; shifts the reading frame from asparagine 630.
Molecular consequence: frameshift variant. On other transcripts: intron variant (137).
Genome position (GRCh38, 1-based): chr17:43,093,642, T deleted on the plus strand (A on the coding strand, the reverse complement: BRCA1 is on the minus strand); the first of 3 consecutive T bases (chr17:43,093,642-43,093,644); deleting any one gives the same sequence. VCF-style (leftmost placement, unchanged base first): chr17-43093641-AT-A. GRCh37 (hg19) VCF-style: chr17-41245658-AT-A.
Other names: c.1745del, p.Asn582fs (NM_001407745.1, NM_001407746.1, NM_001407747.1 and 20 more transcripts); c.1748del, p.Asn583fs (NM_001407750.1, NM_001407751.1, NM_001407752.1 and 29 more transcripts); c.1886del, p.Asn629fs (NM_001407861.1, NM_001407860.1, NM_001407587.1 and 22 more transcripts); c.1688del, p.Asn563fs (NM_001407862.1); c.1766del, p.Asn589fs (NM_001407863.1, NM_001407648.1, NM_001407664.1 and 19 more transcripts); c.1685del, p.Asn562fs (NM_001407874.1, NM_001407875.1); c.1679del, p.Asn560fs (NM_001407879.1, NM_001407881.1, NM_001407882.1 and 13 more transcripts); c.1676del, p.Asn559fs (NM_001407853.1, NM_001407571.1, NM_001407894.1 and 9 more transcripts); and 41 more; short protein forms N583fs, N630fs, N462fs, N503fs, N541fs, N542fs, N559fs, N603fs.
Identifiers: ClinVar variation 653179 (VCV000653179.9), dbSNP rs1597873542, ClinGen allele CA658761269.

ClinVar aggregate classification (germline): Pathogenic (1 of 4 stars; one submission).

Conditions:
Hereditary breast ovarian cancer syndrome. Also called: Breast and ovarian cancer; BRCA1- and BRCA2-Associated Hereditary Breast and Ovarian Cancer; Hereditary breast and ovarian cancer; Hereditary breast and/or ovarian cancer syndrome; Hereditary breast and ovarian cancer syndrome; Hereditary breast and ovarian cancer syndrome (HBOC). Identifiers: Orphanet 145, MedGen C0677776, MeSH D061325, MONDO:0003582. Disease mechanism: loss of function.

Submission:

Labcorp Genetics (formerly Invitae), Labcorp
Classification: Pathogenic for Hereditary breast ovarian cancer syndrome. Last evaluated: 2018-09-04. Review status: criteria provided, single submitter. Criteria: Invitae Variant Classification Sherloc (09022015). Collection method: clinical testing. Allele origin: germline.
Comment: This variant has been reported in one family with high risk of breast cancer (PMID: 22762150). This variant has also been reported as c.1888delA in the literature. This sequence change creates a premature translational stop signal (p.Asn630Ilefs*2) in the BRCA1 gene. It is expected to result in an absent or disrupted protein product. This variant is not present in population databases (ExAC no frequency). Loss-of-function variants in BRCA1 are known to be pathogenic (PMID: 20104584). For these reasons, this variant has been classified as Pathogenic.

Literature cited by the submitters: PubMed 22762150; PubMed 20104584.